The following is an entry in ClinVar:

NM_021930.6(RINT1):c.1867A>C (p.Lys623Gln)

Gene: RINT1 (RAD50 interactor 1; plus strand). Cytogenetic location: 7q22.3.
Variant type: single nucleotide variant.
Coding change: c.1867A>C on transcript NM_021930.6 (MANE Select); coding-DNA position 1867, A replaced by C.
Protein change: p.Lys623Gln; replaces lysine 623 with glutamine.
Molecular consequence: missense variant. On other transcripts: non-coding transcript variant (1).
Genome position (GRCh38, 1-based): chr7:105,563,928, A>C. VCF-style: chr7-105563928-A-C. GRCh37 (hg19) VCF-style: chr7-105204375-A-C.
Other names: c.1633A>C, p.Lys545Gln (NM_001346599.2); c.844A>C, p.Lys282Gln (NM_001346600.2, NM_001346603.2); c.943A>C, p.Lys315Gln (NM_001346601.2); short protein forms K315Q, K545Q, K623Q, K282Q.
Identifiers: ClinVar variation 3789220 (VCV003789220.1).

ClinVar aggregate classification (germline): Uncertain significance (1 of 4 stars; one submission).

Submission:

Ambry Genetics
Classification: Uncertain significance. Last evaluated: 2025-01-17. Review status: criteria provided, single submitter. Criteria: Ambry Variant Classification Scheme 2023. Collection method: clinical testing. Allele origin: germline.
Comment: The p.K623Q variant (also known as c.1867A>C), located in coding exon 12 of the RINT1 gene, results from an A to C substitution at nucleotide position 1867. The lysine at codon 623 is replaced by glutamine, an amino acid with similar properties. This amino acid position is conserved. In addition, this alteration is predicted to be tolerated by in silico analysis. Based on the available evidence, the clinical significance of this variant remains unclear.